The following is an entry in ClinVar:

ClinVar aggregate classification (germline): Benign/Likely benign. Review status: criteria provided, multiple submitters, no conflicts (2 of 4 stars). 9 submissions from 9 submitters: Benign (4); Likely benign (3). 2 of the submissions do not count toward it. Last evaluated 2026-01-28.

Conditions:
Inborn genetic diseases. Identifiers: MedGen C0950123, MeSH D030342.
Charcot-Marie-Tooth disease type 2. Also called: Charcot-Marie-Tooth type 2. Identifiers: Orphanet 64746, MedGen C0270914, MONDO:0018993.

Allele frequency attached by ClinVar (database versions not stated): gnomAD exomes 0.00013 and 0.00044; ExAC 0.00056; 1000 Genomes Project 30x 0.00125; 1000 Genomes Project 0.00140; gnomAD 0.00168 and 0.00184; ESP Exome Variant Server 0.00177; TOPMed 0.00191.
gnomAD v4.1: 452 of 1,614,166 alleles (0.028%); highest among the groups gnomAD compares: African/African-American, 0.57%; 1 homozygote.

Submissions (9):

Labcorp Genetics (formerly Invitae), Labcorp
Classification: Benign for Charcot-Marie-Tooth disease type 2. Last evaluated: 2026-01-28. Review status: criteria provided, single submitter. Criteria: Invitae Variant Classification Sherloc (09022015). Collection method: clinical testing. Allele origin: germline.

ARUP Laboratories, Molecular Genetics and Genomics, ARUP Laboratories
Classification: Benign. Last evaluated: 2024-10-15. Review status: criteria provided, single submitter. Criteria: ARUP Molecular Germline Variant Investigation Process 2024. Collection method: clinical testing. Allele origin: germline.

Blueprint Genetics
Classification: Likely benign. Last evaluated: 2023-10-10. Review status: criteria provided, single submitter. Criteria: ACMG Guidelines, 2015. Collection method: clinical testing. Allele origin: germline.

CeGaT Center for Human Genetics Tuebingen
Classification: Likely benign. Last evaluated: 2022-07-01. Review status: criteria provided, single submitter. Criteria: CeGaT Center For Human Genetics Tuebingen Variant Classification Criteria Version 2. Collection method: clinical testing. Allele origin: germline. Affected: yes. Observed: 1 variant allele.
Comment: MFN2: BP4, BP7

Ambry Genetics
Classification: Likely benign for Inborn genetic diseases. Last evaluated: 2019-07-11. Review status: criteria provided, single submitter. Criteria: Ambry Variant Classification Scheme 2023. Collection method: clinical testing. Allele origin: germline.

Athena Diagnostics
Classification: Benign. Last evaluated: 2019-01-15. Review status: criteria provided, single submitter. Criteria: Athena Diagnostics Criteria. Collection method: clinical testing. Allele origin: germline.

GeneDx
Classification: Benign. Last evaluated: 2015-03-24. Review status: criteria provided, single submitter. Criteria: GeneDx Variant Classification (06012015). Collection method: clinical testing. Allele origin: germline. Affected: yes.
Comment: This variant is considered likely benign or benign based on one or more of the following criteria: it is a conservative change, it occurs at a poorly conserved position in the protein, it is predicted to be benign by multiple in silico algorithms, and/or has population frequency not consistent with disease.

Clinical Genetics DNA and cytogenetics Diagnostics Lab, Erasmus MC, Erasmus Medical Center
Classification: Likely benign. Review status: no assertion criteria provided. Collection method: clinical testing. Allele origin: germline. Affected: yes. Study: VKGL Data-share Consensus. Not counted in ClinVar's aggregate classification.

Clinical Genetics, Academic Medical Center
Classification: Likely benign. Review status: no assertion criteria provided. Collection method: clinical testing. Allele origin: germline. Affected: yes. Study: VKGL Data-share Consensus. Not counted in ClinVar's aggregate classification.

NM_014874.4(MFN2):c.663T>C (p.Asp221=)

Gene: MFN2 (mitofusin 2; plus strand). Cytogenetic location: 1p36.22.
Variant type: single nucleotide variant.
Coding change: c.663T>C on transcript NM_014874.4 (MANE Select); coding-DNA position 663, T replaced by C.
Protein change: p.Asp221=; no amino-acid change (aspartic acid 221 retained).
Molecular consequence: synonymous variant.
Genome position (GRCh38, 1-based): chr1:11,998,833, T>C. VCF-style: chr1-11998833-T-C. GRCh37 (hg19) VCF-style: chr1-12058890-T-C.
Other names: c.663T>C, p.Asp221= (NM_001127660.2).
Identifiers: ClinVar variation 378134 (VCV000378134.43), dbSNP rs116504054, ClinGen allele CA598883.